The following is an entry in ClinVar:

ClinVar aggregate classification (germline): Likely benign (0 of 4 stars; one submission).

Conditions:
GP1BB-related disorder. Also called: GP1BB-related condition.

Allele frequency attached by ClinVar (database versions not stated): TOPMed below 0.00001; gnomAD 0.00001.
gnomAD v4.1: 5 of 1,524,422 alleles (0.00033%); highest among the groups gnomAD compares: African/African-American, 0.0056%; no homozygotes.

Submission:

PreventionGenetics, part of Exact Sciences
Classification: Likely benign for GP1BB-related condition. Last evaluated: 2021-07-14. Review status: no assertion criteria provided. Collection method: clinical testing. Allele origin: germline.
Comment: This variant is classified as likely benign based on ACMG/AMP sequence variant interpretation guidelines (Richards et al. 2015 PMID: 25741868, with internal and published modifications).

NM_000407.5(GP1BB):c.24G>T (p.Ala8=)

Genes: GP1BB (glycoprotein Ib platelet subunit beta; plus strand), SEPT5-GP1BB (SEPT5-GP1BB readthrough; plus strand). Cytogenetic location: 22q11.21.
Variant type: single nucleotide variant.
Coding change: c.24G>T on transcript NM_000407.5 (MANE Select); coding-DNA position 24, G replaced by T.
Protein change: p.Ala8=; no amino-acid change (alanine 8 retained).
Molecular consequence: synonymous variant. On other transcripts: non-coding transcript variant (2).
Genome position (GRCh38, 1-based): chr22:19,723,867, G>T. VCF-style: chr22-19723867-G-T. GRCh37 (hg19) VCF-style: chr22-19711390-G-T.
Identifiers: ClinVar variation 3031447 (VCV003031447.2), dbSNP rs527896903, ClinGen allele CA322079742.